The following is an entry in ClinVar:

NM_015973.5(GAL):c.253A>G (p.Asn85Asp)

Gene: GAL (galanin and GMAP prepropeptide; plus strand). Cytogenetic location: 11q13.2.
Variant type: single nucleotide variant.
Coding change: c.253A>G on transcript NM_015973.5 (MANE Select); coding-DNA position 253, A replaced by G.
Protein change: p.Asn85Asp; replaces asparagine 85 with aspartic acid.
Molecular consequence: missense variant.
Genome position (GRCh38, 1-based): chr11:68,688,878, A>G. VCF-style: chr11-68688878-A-G. GRCh37 (hg19) VCF-style: chr11-68456346-A-G.
Other names: c.253A>G (NM_015973.4); short protein forms N85D.
Identifiers: ClinVar variation 542527 (VCV000542527.21), dbSNP rs145825008, ClinGen allele CA6151515.

ClinVar aggregate classification (germline): Likely benign. Review status: criteria provided, multiple submitters, no conflicts (2 of 4 stars). 3 submissions from 3 submitters: Likely benign (2). 1 of the submissions does not count toward it. Last evaluated 2025-06-01.

Conditions:
GAL-related disorder. Also called: GAL-related condition.
Familial temporal lobe epilepsy 8. Identifiers: Orphanet 101046, MedGen C4225318, MONDO:0014650, OMIM 616461.

Allele frequency attached by ClinVar (database versions not stated): ESP Exome Variant Server 0.00185; gnomAD exomes 0.00218 and 0.00148; 1000 Genomes Project 30x 0.00016; gnomAD 0.00131 and 0.00128; ExAC 0.00180; 1000 Genomes Project 0.00020; TOPMed 0.00128.
gnomAD v4.1: 3,260 of 1,574,282 alleles (0.21%); highest among the groups gnomAD compares: Non-Finnish European, 0.27%; 7 homozygotes.

Submissions (3):

CeGaT Center for Human Genetics Tuebingen
Classification: Likely benign. Last evaluated: 2025-06-01. Review status: criteria provided, single submitter. Criteria: CeGaT Center For Human Genetics Tuebingen Variant Classification Criteria Version 2. Collection method: clinical testing. Allele origin: germline. Affected: yes. Observed: 1 variant allele.
Comment: GAL: BP4, BS1

Labcorp Genetics (formerly Invitae), Labcorp
Classification: Likely benign for Familial temporal lobe epilepsy 8. Last evaluated: 2025-04-14. Review status: criteria provided, single submitter. Criteria: Invitae Variant Classification Sherloc (09022015). Collection method: clinical testing. Allele origin: germline.

PreventionGenetics, part of Exact Sciences
Classification: Likely benign for GAL-related condition. Last evaluated: 2021-01-04. Review status: no assertion criteria provided. Collection method: clinical testing. Allele origin: germline. Not counted in ClinVar's aggregate classification.
Comment: This variant is classified as likely benign based on ACMG/AMP sequence variant interpretation guidelines (Richards et al. 2015 PMID: 25741868, with internal and published modifications).